The following is an entry in ClinVar:

NM_003331.5(TYK2):c.2515C>G (p.Pro839Ala)

Gene: TYK2 (tyrosine kinase 2; minus strand). Cytogenetic location: 19p13.2.
Variant type: single nucleotide variant.
Coding change: c.2515C>G on transcript NM_003331.5 (MANE Select); coding-DNA position 2515, C replaced by G.
Protein change: p.Pro839Ala; replaces proline 839 with alanine.
Molecular consequence: missense variant.
Genome position (GRCh38, 1-based): chr19:10,356,670, G>C on the plus strand (C>G on the coding strand, the complement: TYK2 is on the minus strand). VCF-style: chr19-10356670-G-C. GRCh37 (hg19) VCF-style: chr19-10467346-G-C.
Other names: c.2515C>G, p.Pro839Ala (NM_001385197.1, NM_001385198.1, NM_001385203.1 and 1 more transcripts); c.2329C>G, p.Pro777Ala (NM_001385199.1); c.2512C>G, p.Pro838Ala (NM_001385200.1); c.2317C>G, p.Pro773Ala (NM_001385201.1); c.2431C>G, p.Pro811Ala (NM_001385202.1); c.2725C>G, p.Pro909Ala (NM_001385204.1); c.2425C>G, p.Pro809Ala (NM_001385205.1); c.2389C>G, p.Pro797Ala (NM_001385206.1); and 1 more; short protein forms P773A, P839A, P777A, P811A, P833A, P838A, P797A, P809A.
Identifiers: ClinVar variation 1947061 (VCV001947061.5), dbSNP rs373150366, ClinGen allele CA9193019.

ClinVar aggregate classification (germline): Uncertain significance (1 of 4 stars; one submission).

Conditions:
Immunodeficiency 35 (IMD35). Also called: Susceptibility to infection due to TYK2 deficiency; HIES WITH ATYPICAL MYCOBACTERIOSIS, AUTOSOMAL RECESSIVE; HYPER-IgE SYNDROME WITH ATYPICAL MYCOBACTERIOSIS, AUTOSOMAL RECESSIVE; TYK2 DEFICIENCY. Identifiers: Orphanet 331226, MedGen C1969086, MONDO:0012682, OMIM 611521.

Allele frequency attached by ClinVar (database versions not stated): ExAC 0.00002; TOPMed 0.00003; gnomAD 0.00004; ESP Exome Variant Server 0.00015.
gnomAD v4.1: 7 of 1,612,444 alleles (0.00043%); highest among the groups gnomAD compares: African/African-American, 0.0093%; no homozygotes.

Submission:

Labcorp Genetics (formerly Invitae), Labcorp
Classification: Uncertain significance for Immunodeficiency 35. Last evaluated: 2022-04-17. Review status: criteria provided, single submitter. Criteria: Invitae Variant Classification Sherloc (09022015). Collection method: clinical testing. Allele origin: germline.
Comment: In summary, the available evidence is currently insufficient to determine the role of this variant in disease. Therefore, it has been classified as a Variant of Uncertain Significance. Algorithms developed to predict the effect of missense changes on protein structure and function are either unavailable or do not agree on the potential impact of this missense change (SIFT: "Not Available"; PolyPhen-2: "Possibly Damaging"; Align-GVGD: "Not Available"). This variant has not been reported in the literature in individuals affected with TYK2-related conditions. The frequency data for this variant in the population databases is considered unreliable, as metrics indicate poor data quality at this position in the gnomAD database. This sequence change replaces proline, which is neutral and non-polar, with alanine, which is neutral and non-polar, at codon 839 of the TYK2 protein (p.Pro839Ala).